The following is an entry in ClinVar:

NM_001302998.2(LIPI):c.1177G>A (p.Asp393Asn)

Gene: LIPI (lipase I; minus strand). Cytogenetic location: 21q11.2.
Variant type: single nucleotide variant.
Coding change: c.1177G>A on transcript NM_001302998.2 (MANE Select); coding-DNA position 1177, G replaced by A.
Protein change: p.Asp393Asn; replaces aspartic acid 393 with asparagine.
Molecular consequence: missense variant. On other transcripts: intron variant (1).
Genome position (GRCh38, 1-based): chr21:14,144,741, C>T on the plus strand (G>A on the coding strand, the complement: LIPI is on the minus strand). VCF-style: chr21-14144741-C-T. GRCh37 (hg19) VCF-style: chr21-15517062-C-T.
Other names: c.1087G>A, p.Asp363Asn (NM_001302999.2); c.1159G>A, p.Asp387Asn (NM_001303000.2); c.1072G>A, p.Asp358Asn (NM_001379565.1); c.682G>A, p.Asp228Asn (NM_001379566.1); c.1042G>A, p.Asp348Asn (NM_198996.4); c.1006+18678G>A (NM_001303001.2); short protein forms D228N, D348N, D358N, D363N, D387N, D393N.
Identifiers: ClinVar variation 4766141 (VCV004766141.1).

ClinVar aggregate classification (germline): Uncertain significance (1 of 4 stars; one submission).

gnomAD v4.1: 1 of 1,579,728 alleles (0.000063%); highest among the groups gnomAD compares: Admixed American, 0.0017%; no homozygotes.

Submission:

Labcorp Genetics (formerly Invitae), Labcorp
Classification: Uncertain significance. Last evaluated: 2025-06-23. Review status: criteria provided, single submitter. Criteria: Invitae Variant Classification Sherloc (09022015). Collection method: clinical testing. Allele origin: germline.
Comment: This sequence change replaces aspartic acid, which is acidic and polar, with asparagine, which is neutral and polar, at codon 414 of the LIPI protein (p.Asp414Asn). This variant is not present in population databases (gnomAD no frequency). This variant has not been reported in the literature in individuals affected with LIPI-related conditions. An algorithm developed to predict the effect of missense changes on protein structure and function (PolyPhen-2) suggests that this variant is likely to be disruptive. In summary, the available evidence is currently insufficient to determine the role of this variant in disease. Therefore, it has been classified as a Variant of Uncertain Significance.